The following is an entry in ClinVar:

ClinVar aggregate classification (germline): Uncertain significance (1 of 4 stars; one submission).

Conditions:
Imerslund-Grasbeck syndrome. Also called: PERNICIOUS ANEMIA, JUVENILE, DUE TO SELECTIVE INTESTINAL MALABSORPTION OF VITAMIN B12, WITH PROTEINURIA; Megaloblastic anemia due to inborn errors of metabolism; Imerslund-Gräsbeck syndrome; ENTEROCYTE COBALAMIN MALABSORPTION; ENTEROCYTE INTRINSIC FACTOR RECEPTOR, DEFECT OF. Identifiers: Orphanet 35858, MedGen C4551825, MONDO:0009853.

Allele frequency attached by ClinVar (database versions not stated): gnomAD exomes below 0.00001.
gnomAD v4.1: 2 of 1,614,094 alleles (0.00012%); highest among the groups gnomAD compares: Non-Finnish European, 0.00017%; no homozygotes.

Submission:

Labcorp Genetics (formerly Invitae), Labcorp
Classification: Uncertain significance for Imerslund-Grasbeck syndrome. Last evaluated: 2022-07-19. Review status: criteria provided, single submitter. Criteria: Invitae Variant Classification Sherloc (09022015). Collection method: clinical testing. Allele origin: germline.
Comment: In summary, the available evidence is currently insufficient to determine the role of this variant in disease. Therefore, it has been classified as a Variant of Uncertain Significance. Algorithms developed to predict the effect of missense changes on protein structure and function are either unavailable or do not agree on the potential impact of this missense change (SIFT: "Tolerated"; PolyPhen-2: "Probably Damaging"; Align-GVGD: "Class C0"). This variant has not been reported in the literature in individuals affected with CUBN-related conditions. This variant is not present in population databases (gnomAD no frequency). This sequence change replaces phenylalanine, which is neutral and non-polar, with leucine, which is neutral and non-polar, at codon 1780 of the CUBN protein (p.Phe1780Leu).

NM_001081.4(CUBN):c.5338T>C (p.Phe1780Leu)

Gene: CUBN (cubilin; minus strand). Cytogenetic location: 10p13.
Variant type: single nucleotide variant.
Coding change: c.5338T>C on transcript NM_001081.4 (MANE Select); coding-DNA position 5338, T replaced by C.
Protein change: p.Phe1780Leu; replaces phenylalanine 1780 with leucine.
Molecular consequence: missense variant.
Genome position (GRCh38, 1-based): chr10:16,947,239, A>G on the plus strand (T>C on the coding strand, the complement: CUBN is on the minus strand). VCF-style: chr10-16947239-A-G. GRCh37 (hg19) VCF-style: chr10-16989238-A-G.
Other names: short protein forms F1780L.
Identifiers: ClinVar variation 2052307 (VCV002052307.4), dbSNP rs2491572289, ClinGen allele CA376159637.
Genomic context (GRCh38, chr10:16,947,239, plus strand): 5'-CTTCTTTCCTACAGATTCATTAGCACTGAAACAATACACCATAAAAAAGGATTTACATAA[A>G]AGACAGCTGGAGCCGGTTGCCAGGGGAACTGACGATGTTCCAGACACATTCCACATTAGG-3'
Protein context (NP_001072.2, residues 1770-1790): SSPGNRLQLS[Phe1780Leu]ISFQLEDSQD